The following is an entry in ClinVar:

NM_001081.4(CUBN):c.8579G>A (p.Cys2860Tyr)

Gene: CUBN (cubilin; minus strand). Cytogenetic location: 10p13.
Variant type: single nucleotide variant.
Coding change: c.8579G>A on transcript NM_001081.4 (MANE Select); coding-DNA position 8579, G replaced by A.
Protein change: p.Cys2860Tyr; replaces cysteine 2860 with tyrosine.
Molecular consequence: missense variant.
Genome position (GRCh38, 1-based): chr10:16,899,015, C>T on the plus strand (G>A on the coding strand, the complement: CUBN is on the minus strand). VCF-style: chr10-16899015-C-T. GRCh37 (hg19) VCF-style: chr10-16941014-C-T.
Other names: short protein forms C2860Y.
Identifiers: ClinVar variation 1333363 (VCV001333363.1), dbSNP rs2131416995, ClinGen allele CA376140139.
Genomic context (GRCh38, chr10:16,899,015, plus strand): 5'-AAAACCAACTTGGCTCCAATTAAATGAACAAGTGTACTAACCTTCACGAAGCTATTCTGA[C>T]ATTGTCCATCACCGCTGGGGATTAGGAAGTTGTTGTCAAAGCTGATCTCCAAGTGTTTAC-3'
Protein context (NP_001072.2, residues 2850-2870): NFLIPSGDGQ[Cys2860Tyr]QNSFVKVWAG

ClinVar aggregate classification (germline): Uncertain significance (1 of 4 stars; one submission).

Conditions:
Proteinuria, chronic benign. Identifiers: MedGen C5394384, MONDO:0030042, OMIM 618884.

Allele frequency attached by ClinVar (database versions not stated): gnomAD exomes below 0.00001.
gnomAD v4.1: 1 of 1,612,874 alleles (0.000062%); highest among the groups gnomAD compares: Non-Finnish European, 0.000085%; no homozygotes.

Submission:

3billion
Classification: Uncertain significance for Proteinuria, chronic benign. Last evaluated: 2022-01-03. Review status: criteria provided, single submitter. Criteria: ACMG Guidelines, 2015. Collection method: clinical testing. Allele origin: germline. Affected: yes. Observed: 1 heterozygote.
Comment: The variant is not observed in the gnomAD v2.1.1 dataset (PM2_M). Therefore, this variant is classified as uncertain significance according to the recommendation of ACMG/AMP guideline.